The following is an entry in ClinVar:

NM_000539.3(RHO):c.888G>T (p.Lys296Asn)

Gene: RHO (rhodopsin; plus strand). Cytogenetic location: 3q22.1.
Variant type: single nucleotide variant.
Coding change: c.888G>T on transcript NM_000539.3 (MANE Select); coding-DNA position 888, G replaced by T.
Protein change: p.Lys296Asn; replaces lysine 296 with asparagine.
Molecular consequence: missense variant.
Genome position (GRCh38, 1-based): chr3:129,532,724, G>T. VCF-style: chr3-129532724-G-T. GRCh37 (hg19) VCF-style: chr3-129251567-G-T.
Other names: short protein forms K296N.
Identifiers: ClinVar variation 2501809 (VCV002501809.2), dbSNP rs2084793009, ClinGen allele CA354470802.

ClinVar aggregate classification (germline): Pathogenic/Likely pathogenic. Review status: criteria provided, multiple submitters, no conflicts (2 of 4 stars). 2 submissions from 2 submitters: Pathogenic (1); Likely pathogenic (1). Last evaluated 2023-12-20.

Conditions:
Retinitis pigmentosa 4 (RP4). Also called: RETINITIS PIGMENTOSA, RHODOPSIN-RELATED. Identifiers: Orphanet 791, MedGen C3151001, MONDO:0013395, OMIM 613731.
Retinitis pigmentosa (RP). Identifiers: Orphanet 791, MedGen C0035334, MeSH D012174, MONDO:0019200, OMIM 268000. Inheritance: Autosomal dominant, autosomal recessive and X linked inheritance.

Submissions (2):

3billion
Classification: Pathogenic for Retinitis pigmentosa 4. Last evaluated: 2023-12-20. Review status: criteria provided, single submitter. Criteria: ACMG Guidelines, 2015. Collection method: clinical testing. Allele origin: germline. Affected: yes.
Comment: The variant is not observed in the gnomAD v2.1.1 dataset. Predicted Consequence/Location: Missense changes are a common disease-causing mechanism. In silico tool predictions suggest damaging effect of the variant on gene or gene product [REVEL: 0.67 (>=0.6, sensitivity 0.68 and specificity 0.92)]. Same nucleotide change resulting in same amino acid change has been previously reported as pathogenic/likely pathogenic with strong evidence (ClinVar ID: VCV002501809 /PMID: 11139241). Different missense changes at the same codon (p.Lys296Gln, p.Lys296Glu) have been reported as pathogenic/likely pathogenic with strong evidence (ClinVar ID: VCV000013030, VCV000984768 /PMID: 1765377 /3billion dataset). Therefore, this variant is classified as Pathogenic according to the recommendation of ACMG/AMP guideline.

Institute of Medical Genetics and Applied Genomics, University Hospital Tübingen
Classification: Likely pathogenic for Retinitis pigmentosa. Last evaluated: 2023-05-16. Review status: criteria provided, single submitter. Criteria: ACMG Guidelines, 2015. Collection method: clinical testing. Allele origin: germline. Inheritance: Autosomal dominant inheritance. Affected: yes.

Literature cited by the submitters: PubMed 1765377 (cited by 3billion); PubMed 11139241 (cited by 3billion).